The following is an entry in ClinVar:

ClinVar aggregate classification (germline): Uncertain significance (1 of 4 stars; one submission).

Conditions:
Oligodontia-cancer predisposition syndrome. Also called: TOOTH AGENESIS-COLORECTAL CANCER SYNDROME. Identifiers: Orphanet 300576, MedGen C1837750, MONDO:0012075, OMIM 608615. Disease mechanism: loss of function.

Submission:

Labcorp Genetics (formerly Invitae), Labcorp
Classification: Uncertain significance for Oligodontia-colorectal cancer syndrome. Last evaluated: 2018-11-27. Review status: criteria provided, single submitter. Criteria: Invitae Variant Classification Sherloc (09022015). Collection method: clinical testing. Allele origin: germline.
Comment: This sequence change falls in intron 8 of the AXIN2 gene. It does not directly change the encoded amino acid sequence of the AXIN2 protein. This variant is not present in population databases (ExAC no frequency). This variant has not been reported in the literature in individuals with AXIN2-related conditions. Algorithms developed to predict the effect of sequence changes on RNA splicing suggest that this variant may disrupt the consensus splice site, but this prediction has not been confirmed by published transcriptional studies. In summary, the available evidence is currently insufficient to determine the role of this variant in disease. Therefore, it has been classified as a Variant of Uncertain Significance.

NM_004655.4(AXIN2):c.2142-7_2142-6insG

Gene: AXIN2 (axin 2; minus strand). Cytogenetic location: 17q24.1.
Variant type: Insertion.
Coding change: c.2142-7_2142-6insG on transcript NM_004655.4 (MANE Select); 7 bases into the intron before coding-DNA position 2142 through 6 bases into the intron before coding-DNA position 2142, G inserted.
Molecular consequence: intron variant.
Genome position: GRCh38 VCF-style: chr17-65535727-G-GC. GRCh37 (hg19) VCF-style: chr17-63531845-G-GC.
Other names: c.1947-7_1947-6insG (NM_001363813.1); c.2142-7_2142-6insG (LRG_296t1).
Identifiers: ClinVar variation 654850 (VCV000654850.1), dbSNP rs1598095877, ClinGen allele CA915952168.